The following is an entry in ClinVar:

NM_006922.4(SCN3A):c.2328T>A (p.Phe776Leu)

Gene: SCN3A (sodium voltage-gated channel alpha subunit 3; minus strand). Cytogenetic location: 2q24.3.
Variant type: single nucleotide variant.
Coding change: c.2328T>A on transcript NM_006922.4 (MANE Select); coding-DNA position 2328, T replaced by A.
Protein change: p.Phe776Leu; replaces phenylalanine 776 with leucine.
Molecular consequence: missense variant.
Genome position (GRCh38, 1-based): chr2:165,137,942, A>T on the plus strand (T>A on the coding strand, the complement: SCN3A is on the minus strand). VCF-style: chr2-165137942-A-T. GRCh37 (hg19) VCF-style: chr2-165994452-A-T.
Other names: c.2181T>A, p.Phe727Leu (NM_001081676.2, NM_001081677.2); short protein forms F727L, F776L.
Identifiers: ClinVar variation 1381455 (VCV001381455.6), dbSNP rs2105800833, ClinGen allele CA349045080.

ClinVar aggregate classification (germline): Uncertain significance (1 of 4 stars; one submission).

Submission:

Labcorp Genetics (formerly Invitae), Labcorp
Classification: Uncertain significance. Last evaluated: 2025-02-06. Review status: criteria provided, single submitter. Criteria: Invitae Variant Classification Sherloc (09022015). Collection method: clinical testing. Allele origin: germline.
Comment: This sequence change replaces phenylalanine, which is neutral and non-polar, with leucine, which is neutral and non-polar, at codon 776 of the SCN3A protein (p.Phe776Leu). This variant is not present in population databases (gnomAD no frequency). This variant has not been reported in the literature in individuals affected with SCN3A-related conditions. ClinVar contains an entry for this variant (Variation ID: 1381455). Invitae Evidence Modeling of protein sequence and biophysical properties (such as structural, functional, and spatial information, amino acid conservation, physicochemical variation, residue mobility, and thermodynamic stability) indicates that this missense variant is expected to disrupt SCN3A protein function with a positive predictive value of 95%. In summary, the available evidence is currently insufficient to determine the role of this variant in disease. Therefore, it has been classified as a Variant of Uncertain Significance.